The following is an entry in ClinVar:

ClinVar aggregate classification (germline): Likely benign (1 of 4 stars; one submission).

gnomAD v4.1: 119 of 1,613,444 alleles (0.0074%); highest among the groups gnomAD compares: Admixed American, 0.2%; no homozygotes.

Submission:

CeGaT Center for Human Genetics Tuebingen
Classification: Likely benign. Last evaluated: 2026-06-01. Review status: criteria provided, single submitter. Criteria: CeGaT Center For Human Genetics Tuebingen Variant Classification Criteria Version 2. Collection method: clinical testing. Allele origin: germline. Affected: yes. Observed: 2 variant alleles.
Comment: ATP5MGL: BP4, BP7

NM_001165877.1(ATP5MGL):c.126C>T (p.Thr42=)

Genes: ATP5MGL (ATP synthase membrane subunit g like; minus strand), CYB5R3 (cytochrome b5 reductase 3; minus strand). Cytogenetic location: 22q13.2.
Variant type: single nucleotide variant.
Coding change: c.126C>T on transcript NM_001165877.1 (MANE Select); coding-DNA position 126, C replaced by T.
Protein change: p.Thr42=; no amino-acid change (threonine 42 retained).
Molecular consequence: synonymous variant. On other transcripts: intron variant (5).
Genome position (GRCh38, 1-based): chr22:42,640,149, G>A on the plus strand (C>T on the coding strand, the complement: ATP5MGL is on the minus strand). VCF-style: chr22-42640149-G-A. GRCh37 (hg19) VCF-style: chr22-43036155-G-A.
Other names: c.22-3303C>T (NM_000398.7); c.-48-3303C>T (NM_007326.4, NM_001171661.1, NM_001129819.2); c.121-3303C>T (NM_001171660.2).
Identifiers: ClinVar variation 4823137 (VCV004823137.4).